The following is an entry in ClinVar:

ClinVar aggregate classification (germline): Uncertain significance. Review status: criteria provided, multiple submitters, no conflicts (2 of 4 stars). 3 submissions from 3 submitters: Uncertain significance (3). Last evaluated 2026-07-07.

Conditions:
Cardiovascular phenotype. Identifiers: MedGen CN230736.
Hypertrophic cardiomyopathy 26. Also called: Cardiomyopathy, familial hypertrophic, 26. Identifiers: Orphanet 75249, MedGen C4310749, MONDO:0014883, OMIM 617047.
Myofibrillar myopathy 5. Also called: Filaminopathy (type); FILAMINOPATHY, AUTOSOMAL DOMINANT. Identifiers: Orphanet 171445, MedGen C1836050, MONDO:0012289, OMIM 609524.
Distal myopathy with posterior leg and anterior hand involvement. Also called: WILLIAMS DISTAL MYOPATHY. Identifiers: Orphanet 63273, MedGen C3279722, MONDO:0013550, OMIM 614065.

Allele frequency attached by ClinVar (database versions not stated): gnomAD 0.00001; TOPMed 0.00001; ESP Exome Variant Server 0.00008.
gnomAD v4.1: 2 of 1,613,842 alleles (0.00012%); highest among the groups gnomAD compares: Non-Finnish European, 0.00017%; no homozygotes.

Submissions (3):

Ambry Genetics
Classification: Uncertain significance for Cardiovascular phenotype. Last evaluated: 2026-07-07. Review status: criteria provided, single submitter. Criteria: Ambry Variant Classification Scheme 2023. Collection method: clinical testing. Allele origin: germline.
Comment: The p.A1023P variant (also known as c.3067G>C), located in coding exon 20 of the FLNC gene, results from a G to C substitution at nucleotide position 3067. The alanine at codon 1023 is replaced by proline, an amino acid with highly similar properties. This amino acid position is conserved. In addition, this alteration is predicted to be tolerated by in silico analysis. Based on the available evidence, the clinical significance of this variant remains unclear.

Labcorp Genetics (formerly Invitae), Labcorp
Classification: Uncertain significance for Distal myopathy with posterior leg and anterior hand involvement; Myofibrillar myopathy 5; Hypertrophic cardiomyopathy 26. Last evaluated: 2025-08-18. Review status: criteria provided, single submitter. Criteria: Invitae Variant Classification Sherloc (09022015). Collection method: clinical testing. Allele origin: germline.
Comment: This sequence change replaces alanine, which is neutral and non-polar, with proline, which is neutral and non-polar, at codon 1023 of the FLNC protein (p.Ala1023Pro). This variant is not present in population databases (gnomAD no frequency). This variant has not been reported in the literature in individuals affected with FLNC-related conditions. ClinVar contains an entry for this variant (Variation ID: 640823). Invitae Evidence Modeling of protein sequence and biophysical properties (such as structural, functional, and spatial information, amino acid conservation, physicochemical variation, residue mobility, and thermodynamic stability) has been performed for this missense variant. However, the output from this modeling did not meet the statistical confidence thresholds required to predict the impact of this variant on FLNC protein function. In summary, the available evidence is currently insufficient to determine the role of this variant in disease. Therefore, it has been classified as a Variant of Uncertain Significance.

CeGaT Center for Human Genetics Tuebingen
Classification: Uncertain significance. Last evaluated: 2023-12-01. Review status: criteria provided, single submitter. Criteria: CeGaT Center For Human Genetics Tuebingen Variant Classification Criteria Version 2. Collection method: clinical testing. Allele origin: germline. Affected: yes. Observed: 1 variant allele.
Comment: FLNC: PM2, BP4

NM_001458.5(FLNC):c.3067G>C (p.Ala1023Pro)

Gene: FLNC (filamin C; plus strand). Cytogenetic location: 7q32.1.
Variant type: single nucleotide variant.
Coding change: c.3067G>C on transcript NM_001458.5 (MANE Select); coding-DNA position 3067, G replaced by C.
Protein change: p.Ala1023Pro; replaces alanine 1023 with proline.
Molecular consequence: missense variant.
Genome position (GRCh38, 1-based): chr7:128,844,141, G>C. VCF-style: chr7-128844141-G-C. GRCh37 (hg19) VCF-style: chr7-128484195-G-C.
Other names: c.3067G>C, p.Ala1023Pro (NM_001127487.2); short protein forms A1023P.
Identifiers: ClinVar variation 640823 (VCV000640823.32), dbSNP rs376107866, ClinGen allele CA166177699.